The following is an entry in ClinVar:

NM_000329.3(RPE65):c.1169C>T (p.Thr390Ile)

Gene: RPE65 (retinoid isomerohydrolase RPE65; minus strand). Cytogenetic location: 1p31.3.
Variant type: single nucleotide variant.
Coding change: c.1169C>T on transcript NM_000329.3 (MANE Select); coding-DNA position 1169, C replaced by T.
Protein change: p.Thr390Ile; replaces threonine 390 with isoleucine.
Molecular consequence: missense variant.
Genome position (GRCh38, 1-based): chr1:68,431,545, G>A on the plus strand (C>T on the coding strand, the complement: RPE65 is on the minus strand). VCF-style: chr1-68431545-G-A. GRCh37 (hg19) VCF-style: chr1-68897228-G-A.
Other names: short protein forms T390I.
Identifiers: ClinVar variation 851559 (VCV000851559.11), dbSNP rs1645826475, ClinGen allele CA340743315.

ClinVar aggregate classification (germline): Uncertain significance (1 of 4 stars; one submission).

Conditions:
Leber congenital amaurosis 2 (LCA2). Also called: AMAUROSIS CONGENITA OF LEBER II; Autosomal Recessive RPE65-Related Retinal Degeneration. Identifiers: Orphanet 65, MedGen C1859844, MONDO:0008765, OMIM 204100. Disease mechanism: loss of function.
Retinitis pigmentosa 20 (RP20). Identifiers: Orphanet 791, MedGen C3151086, MONDO:0013425, OMIM 613794.

Submission:

Labcorp Genetics (formerly Invitae), Labcorp
Classification: Uncertain significance for Leber congenital amaurosis 2; Retinitis pigmentosa 20. Last evaluated: 2022-03-10. Review status: criteria provided, single submitter. Criteria: Invitae Variant Classification Sherloc (09022015). Collection method: clinical testing. Allele origin: germline.
Comment: Algorithms developed to predict the effect of missense changes on protein structure and function are either unavailable or do not agree on the potential impact of this missense change (SIFT: "Tolerated"; PolyPhen-2: "Probably Damaging"; Align-GVGD: "Class C15"). ClinVar contains an entry for this variant (Variation ID: 851559). This variant has not been reported in the literature in individuals affected with RPE65-related conditions. This variant is not present in population databases (gnomAD no frequency). This sequence change replaces threonine, which is neutral and polar, with isoleucine, which is neutral and non-polar, at codon 390 of the RPE65 protein (p.Thr390Ile). In summary, the available evidence is currently insufficient to determine the role of this variant in disease. Therefore, it has been classified as a Variant of Uncertain Significance.